The following is an entry in ClinVar:

NM_002693.3(POLG):c.2427-17G>A

Gene: POLG (DNA polymerase gamma, catalytic subunit; minus strand). Cytogenetic location: 15q26.1.
Variant type: single nucleotide variant.
Coding change: c.2427-17G>A on transcript NM_002693.3 (MANE Select); 17 bases into the intron before coding-DNA position 2427, G replaced by A.
Molecular consequence: intron variant.
Genome position (GRCh38, 1-based): chr15:89,322,032, C>T on the plus strand (G>A on the coding strand, the complement: POLG is on the minus strand). VCF-style: chr15-89322032-C-T. GRCh37 (hg19) VCF-style: chr15-89865263-C-T.
Other names: c.2427-17G>A (NM_001126131.2).
Identifiers: ClinVar variation 513364 (VCV000513364.7), dbSNP rs775367938, ClinGen allele CA7724478.
Genomic context (GRCh38, chr15:89,322,032, plus strand): 5'-CACGGGGCAGAGCTGACCTGGGCAGCCACACCACCATCTGGGAGCTGTGGGGACAGACAA[C>T]GTGAGGCTCAGCACAGCCATGGGAAGCAGAATCTATCCCACATCCCACCATGGCCCTCAC-3'

ClinVar aggregate classification (germline): Likely benign. Review status: criteria provided, multiple submitters, no conflicts (2 of 4 stars). 3 submissions from 3 submitters: Likely benign (3). Last evaluated 2025-11-11.

Conditions:
Progressive sclerosing poliodystrophy (MTDPS4A). Also called: Alpers Syndrome; NEURONAL DEGENERATION OF CHILDHOOD WITH LIVER DISEASE, PROGRESSIVE; ALPERS PROGRESSIVE INFANTILE POLIODYSTROPHY; ALPERS DIFFUSE DEGENERATION OF CEREBRAL GRAY MATTER WITH HEPATIC CIRRHOSIS; Mitochondrial DNA depletion syndrome 4A (Alpers type); Mitochondrial DNA Depletion Syndrome 4A. Identifiers: Orphanet 726, MedGen C0205710, MONDO:0008758, OMIM 203700.

Allele frequency attached by ClinVar (database versions not stated): gnomAD 0.00001; gnomAD exomes 0.00001 and 0.00002; TOPMed 0.00001; ExAC 0.00002.
gnomAD v4.1: 36 of 1,613,454 alleles (0.0022%); highest among the groups gnomAD compares: Non-Finnish European, 0.003%; no homozygotes.

Submissions (3):

Labcorp Genetics (formerly Invitae), Labcorp
Classification: Likely benign for Progressive sclerosing poliodystrophy. Last evaluated: 2025-11-11. Review status: criteria provided, single submitter. Criteria: Invitae Variant Classification Sherloc (09022015). Collection method: clinical testing. Allele origin: germline.

Blueprint Genetics
Classification: Likely benign. Last evaluated: 2024-05-24. Review status: criteria provided, single submitter. Criteria: ACMG Guidelines, 2015. Collection method: clinical testing. Allele origin: germline.

GeneDx
Classification: Likely benign. Last evaluated: 2017-12-07. Review status: criteria provided, single submitter. Criteria: GeneDx Variant Classification (06012015). Collection method: clinical testing. Allele origin: germline. Affected: yes.
Comment: This variant is considered likely benign or benign based on one or more of the following criteria: it is a conservative change, it occurs at a poorly conserved position in the protein, it is predicted to be benign by multiple in silico algorithms, and/or has population frequency not consistent with disease.